The following is an entry in ClinVar:

NM_000075.4(CDK4):c.653C>T (p.Ser218Phe)

Genes: CDK4 (cyclin dependent kinase 4; minus strand), TSPAN31 (tetraspanin 31; plus strand). Cytogenetic location: 12q14.1.
Variant type: single nucleotide variant.
Coding change: c.653C>T on transcript NM_000075.4 (MANE Select); coding-DNA position 653, C replaced by T.
Protein change: p.Ser218Phe; replaces serine 218 with phenylalanine.
Molecular consequence: missense variant. On other transcripts: 3 prime UTR variant (3).
Genome position (GRCh38, 1-based): chr12:57,749,484, G>A on the plus strand (C>T on the coding strand, the complement: CDK4 is on the minus strand). VCF-style: chr12-57749484-G-A. GRCh37 (hg19) VCF-style: chr12-58143267-G-A.
Other names: c.*2194G>A (NM_001330168.2, NM_001330169.2, NM_005981.5); short protein forms S218F.
Identifiers: ClinVar variation 2089497 (VCV002089497.4), dbSNP rs1955206224, ClinGen allele CA385544112.

ClinVar aggregate classification (germline): Uncertain significance (1 of 4 stars; one submission).

Conditions:
Familial melanoma. Also called: Hereditary melanoma; Hereditary cutaneous melanoma. Identifiers: Orphanet 618, MedGen C1512419, MONDO:0018961.

Submission:

Labcorp Genetics (formerly Invitae), Labcorp
Classification: Uncertain significance for Familial melanoma. Last evaluated: 2022-01-26. Review status: criteria provided, single submitter. Criteria: Invitae Variant Classification Sherloc (09022015). Collection method: clinical testing. Allele origin: germline.
Comment: This variant is not present in population databases (gnomAD no frequency). This sequence change replaces serine, which is neutral and polar, with phenylalanine, which is neutral and non-polar, at codon 218 of the CDK4 protein (p.Ser218Phe). This variant has not been reported in the literature in individuals affected with CDK4-related conditions. In summary, the available evidence is currently insufficient to determine the role of this variant in disease. Therefore, it has been classified as a Variant of Uncertain Significance. Algorithms developed to predict the effect of missense changes on protein structure and function (SIFT, PolyPhen-2, Align-GVGD) all suggest that this variant is likely to be disruptive.